The following is an entry in ClinVar:

NM_001127208.3(TET2):c.2017G>A (p.Val673Met)

Genes: TET2 (tet methylcytosine dioxygenase 2; plus strand), TET2-AS1 (TET2 antisense RNA 1; minus strand). Cytogenetic location: 4q24.
Variant type: single nucleotide variant.
Coding change: c.2017G>A on transcript NM_001127208.3 (MANE Select); coding-DNA position 2017, G replaced by A.
Protein change: p.Val673Met; replaces valine 673 with methionine.
Molecular consequence: missense variant.
Genome position (GRCh38, 1-based): chr4:105,235,959, G>A. VCF-style: chr4-105235959-G-A. GRCh37 (hg19) VCF-style: chr4-106157116-G-A.
Other names: c.2017G>A, p.Val673Met (NM_017628.4); short protein forms V673M.
Identifiers: ClinVar variation 3806124 (VCV003806124.1).

ClinVar aggregate classification (germline): Uncertain significance (1 of 4 stars; one submission).

gnomAD v4.1: 1 of 1,614,158 alleles (0.000062%); highest among the groups gnomAD compares: East Asian, 0.0022%; no homozygotes.

Submission:

Ambry Genetics
Classification: Uncertain significance. Last evaluated: 2025-03-14. Review status: criteria provided, single submitter. Criteria: Ambry Variant Classification Scheme 2023. Collection method: clinical testing. Allele origin: germline.
Comment: The p.V673M variant (also known as c.2017G>A), located in coding exon 1 of the TET2 gene, results from a G to A substitution at nucleotide position 2017. The valine at codon 673 is replaced by methionine, an amino acid with highly similar properties. This amino acid position is conserved. In addition, this alteration is predicted to be tolerated by in silico analysis. Based on the available evidence, the clinical significance of this variant remains unclear.